The following is an entry in ClinVar:

ClinVar aggregate classification (germline): Uncertain significance (1 of 4 stars; one submission).

Submission:

Mayo Clinic Laboratories, Mayo Clinic
Classification: Uncertain significance. Last evaluated: 2025-06-20. Review status: criteria provided, single submitter. Criteria: ACMG Guidelines, 2015. Collection method: clinical testing. Allele origin: germline. Observed: 1 variant allele.
Comment: PM2_supporting, PVS1_moderate

NM_001206927.2(DNAH8):c.4188+4_4188+7del

Gene: DNAH8 (dynein axonemal heavy chain 8; plus strand). Cytogenetic location: 6p21.2.
Variant type: Deletion.
Coding change: c.4188+4_4188+7del on transcript NM_001206927.2 (MANE Select); bases 4 to 7 of the intron after coding-DNA position 4188, 4 bases deleted (AGTA; older notation c.4188+4_4188+7delAGTA).
Molecular consequence: splice donor variant.
Genome position (GRCh38, 1-based): chr6:38,828,292-38,828,295, AGTA deleted; deleting any 4 consecutive bases within chr6:38,828,289-38,828,295 gives the same sequence; the c. name uses the placement nearest the transcript's 3' end. VCF-style (leftmost placement, unchanged base first): chr6-38828288-TGTAA-T. GRCh37 (hg19) VCF-style: chr6-38796064-TGTAA-T.
Other names: p.?; c.3537+4_3537+7del (NM_001371.4).
Identifiers: ClinVar variation 4541159 (VCV004541159.1).